The following is an entry in ClinVar:

NM_025137.4(SPG11):c.5651G>A (p.Arg1884His)

Gene: SPG11 (SPG11 vesicle trafficking associated, spatacsin; minus strand). Cytogenetic location: 15q21.1.
Variant type: single nucleotide variant.
Coding change: c.5651G>A on transcript NM_025137.4 (MANE Select); coding-DNA position 5651, G replaced by A.
Protein change: p.Arg1884His; replaces arginine 1884 with histidine.
Molecular consequence: missense variant.
Genome position (GRCh38, 1-based): chr15:44,584,029, C>T on the plus strand (G>A on the coding strand, the complement: SPG11 is on the minus strand). VCF-style: chr15-44584029-C-T. GRCh37 (hg19) VCF-style: chr15-44876227-C-T.
Other names: c.5651G>A, p.Arg1884His (NM_001160227.2); short protein forms R1884H.
Identifiers: ClinVar variation 1000570 (VCV001000570.7), dbSNP rs767776590, ClinGen allele CA7534374.

ClinVar aggregate classification (germline): Uncertain significance. Review status: criteria provided, multiple submitters, no conflicts (2 of 4 stars). 2 submissions from 2 submitters: Uncertain significance (2). Last evaluated 2021-09-01.

Conditions:
Inborn genetic diseases. Identifiers: MedGen C0950123, MeSH D030342.
Hereditary spastic paraplegia 11. Also called: Spastic Paraplegia 11; SPASTIC PARAPLEGIA, AUTOSOMAL RECESSIVE, COMPLICATED, WITH THIN CORPUS CALLOSUM; SPASTIC PARAPLEGIA, AUTOSOMAL RECESSIVE, WITH MENTAL IMPAIRMENT AND THIN CORPUS CALLOSUM; Nakamura Osame syndrome; Autosomal recessive hereditary spastic paraplegia, mental impairment, and thin corpus callosum; Spastic paraplegia, mental retardation and thin corpus callosum. Identifiers: Orphanet 2822, MedGen C1858479, MONDO:0011445, OMIM 604360.

Allele frequency attached by ClinVar (database versions not stated): ExAC 0.00001.
gnomAD v4.1: 14 of 1,614,198 alleles (0.00087%); highest among the groups gnomAD compares: South Asian, 0.0022%; no homozygotes.

Submissions (2):

Labcorp Genetics (formerly Invitae), Labcorp
Classification: Uncertain significance for Hereditary spastic paraplegia 11. Last evaluated: 2021-09-01. Review status: criteria provided, single submitter. Criteria: Invitae Variant Classification Sherloc (09022015). Collection method: clinical testing. Allele origin: germline.
Comment: This sequence change replaces arginine with histidine at codon 1884 of the SPG11 protein (p.Arg1884His). The arginine residue is weakly conserved and there is a small physicochemical difference between arginine and histidine. This variant is present in population databases (rs767776590, ExAC 0.006%). This variant has not been reported in the literature in individuals affected with SPG11-related conditions. Algorithms developed to predict the effect of missense changes on protein structure and function output the following: SIFT: "Tolerated"; PolyPhen-2: "Benign"; Align-GVGD: "Class C0". The histidine amino acid residue is found in multiple mammalian species, which suggests that this missense change does not adversely affect protein function. In summary, the available evidence is currently insufficient to determine the role of this variant in disease. Therefore, it has been classified as a Variant of Uncertain Significance.

Ambry Genetics
Classification: Uncertain significance for Inborn genetic diseases. Last evaluated: 2021-06-12. Review status: criteria provided, single submitter. Criteria: Ambry Variant Classification Scheme 2023. Collection method: clinical testing. Allele origin: germline.
Comment: The p.R1884H variant (also known as c.5651G>A), located in coding exon 30 of the SPG11 gene, results from a G to A substitution at nucleotide position 5651. The arginine at codon 1884 is replaced by histidine, an amino acid with highly similar properties. This amino acid position is conserved. In addition, this alteration is predicted to be tolerated by in silico analysis. Since supporting evidence is limited at this time, the clinical significance of this alteration remains unclear.